The following is an entry in ClinVar:

ClinVar aggregate classification (germline): Uncertain significance. Review status: criteria provided, multiple submitters, no conflicts (2 of 4 stars). 2 submissions from 2 submitters: Uncertain significance (2). Last evaluated 2021-09-01.

Conditions:
DNA ligase IV deficiency. Identifiers: Orphanet 99812, MedGen C1847827, MONDO:0011686, OMIM 606593.
Inborn genetic diseases. Identifiers: MedGen C0950123, MeSH D030342.

Allele frequency attached by ClinVar (database versions not stated): gnomAD exomes 0.00001 and 0.00004; ExAC 0.00006; gnomAD 0.00008 and 0.00009; TOPMed 0.00009; ESP Exome Variant Server 0.00015.

Submissions (2):

Labcorp Genetics (formerly Invitae), Labcorp
Classification: Uncertain significance for DNA ligase IV deficiency. Last evaluated: 2021-09-01. Review status: criteria provided, single submitter. Criteria: Invitae Variant Classification Sherloc (09022015). Collection method: clinical testing. Allele origin: germline.
Comment: This sequence change replaces serine with proline at codon 749 of the LIG4 protein (p.Ser749Pro). The serine residue is moderately conserved and there is a moderate physicochemical difference between serine and proline. This variant is present in population databases (rs138080550, ExAC 0.07%). This variant has not been reported in the literature in individuals affected with LIG4-related conditions. Algorithms developed to predict the effect of missense changes on protein structure and function (SIFT, PolyPhen-2, Align-GVGD) all suggest that this variant is likely to be tolerated. In summary, the available evidence is currently insufficient to determine the role of this variant in disease. Therefore, it has been classified as a Variant of Uncertain Significance.

Ambry Genetics
Classification: Uncertain significance for Inborn genetic diseases. Last evaluated: 2021-06-18. Review status: criteria provided, single submitter. Criteria: Ambry Variant Classification Scheme 2023. Collection method: clinical testing. Allele origin: germline.

NM_206937.2(LIG4):c.2245T>C (p.Ser749Pro)

Gene: LIG4 (DNA ligase 4; minus strand). Cytogenetic location: 13q33.3.
Variant type: single nucleotide variant.
Coding change: c.2245T>C on transcript NM_206937.2 (MANE Select); coding-DNA position 2245, T replaced by C.
Protein change: p.Ser749Pro; replaces serine 749 with proline.
Molecular consequence: missense variant.
Genome position (GRCh38, 1-based): chr13:108,209,024, A>G on the plus strand (T>C on the coding strand, the complement: LIG4 is on the minus strand). VCF-style: chr13-108209024-A-G. GRCh37 (hg19) VCF-style: chr13-108861372-A-G.
Other names: c.2245T>C, p.Ser749Pro (NM_001098268.2, NM_001352598.2, NM_001352599.2 and 6 more transcripts); c.2044T>C, p.Ser682Pro (NM_001330595.2); c.2281T>C, p.Ser761Pro (NM_001352604.2); short protein forms S749P, S682P, S761P.
Identifiers: ClinVar variation 533823 (VCV000533823.7), dbSNP rs138080550, ClinGen allele CA7043540.
Genomic context (GRCh38, chr13:108,209,024, plus strand): 5'-TATCAATGAAATAACTATCACCATAGCAATCATATTCACGGGCAAAATGTTCTTTGGTTG[A>G]TGGGCACATATGAATCATAAAGCGAGGCTGCCATGGTACAAAGCTTTTGGTCTTAAAACA-3'
Protein context (NP_996820.1, residues 739-759): QPRFMIHMCP[Ser749Pro]TKEHFAREYD